The following is an entry in ClinVar:

NM_000540.3(RYR1):c.12103_12104delinsCA (p.Val4035Gln)

Gene: RYR1 (ryanodine receptor 1; plus strand). Cytogenetic location: 19q13.2.
Variant type: Indel.
Coding change: c.12103_12104delinsCA on transcript NM_000540.3 (MANE Select); coding-DNA positions 12103 to 12104, GT replaced by CA.
Protein change: p.Val4035Gln; replaces valine 4035 with glutamine.
Molecular consequence: missense variant.
Genome position (GRCh38, 1-based): chr19:38,548,241-38,548,242, GT replaced by CA. VCF-style: chr19-38548241-GT-CA. GRCh37 (hg19) VCF-style: chr19-39038881-GT-CA.
Other names: c.12103_12104delGTinsCA, p.Val4035Gln (NM_000540.2); c.12088_12089delinsCA, p.Val4030Gln (NM_001042723.2); short protein forms V4030Q, V4035Q.
Identifiers: ClinVar variation 4539943 (VCV004539943.2).
Genomic context (GRCh38, chr19:38,548,241, plus strand): 5'-GGGCCCCAGAAGGGAGTGTTCACCGGCCACACTGACCTGGGGCTGCCTGCAGGGAACGTG[GT>CA]GAACGGCATGATCGCCCGGCAGATGGTGGACATGCTCGTGGAATCCTCATCCAATGTGGA-3'
Protein context (NP_000531.2, residues 4025-4045): MLLSLLEGNV[Val4035Gln]NGMIARQMVD

ClinVar aggregate classification (germline): Uncertain significance (1 of 4 stars; one submission).

Submission:

GeneDx
Classification: Uncertain significance. Last evaluated: 2026-01-29. Review status: criteria provided, single submitter. Criteria: GeneDx Variant Classification Process June 2021. Collection method: clinical testing. Allele origin: germline.
Comment: Not observed at significant frequency in large population cohorts (gnomAD); In silico analysis supports a deleterious effect on protein structure/function; Has not been previously published as pathogenic or benign to our knowledge